The following is an entry in ClinVar:

ClinVar aggregate classification (germline): Uncertain significance (1 of 4 stars; one submission).

Conditions:
Palmoplantar keratoderma-esophageal carcinoma syndrome (TOC). Also called: KERATOSIS PALMARIS ET PLANTARIS WITH ESOPHAGEAL CANCER; PALMOPLANTAR KERATODERMA WITH ESOPHAGEAL CANCER; Tylosis with Esophageal Cancer. Identifiers: Orphanet 2198, MedGen C1835664, MONDO:0007856, OMIM 148500.

Allele frequency attached by ClinVar (database versions not stated): gnomAD exomes 0.00001 and 0.00003; ExAC 0.00002; gnomAD 0.00002 and 0.00003; TOPMed 0.00002.
gnomAD v4.1: 48 of 1,613,500 alleles (0.003%); highest among the groups gnomAD compares: Non-Finnish European, 0.0038%; no homozygotes.

Submission:

Baylor Genetics
Classification: Uncertain significance for Palmoplantar keratoderma-esophageal carcinoma syndrome. Last evaluated: 2020-01-07. Review status: criteria provided, single submitter. Criteria: ACMG Guidelines, 2015. Collection method: clinical testing. Allele origin: paternal. Affected: yes. Study: CSER-TexasKidsCanSeq.
Comment: This variant was determined to be of uncertain significance according to ACMG Guidelines, 2015 [PMID:25741868].

NM_001005498.4(RHBDF2):c.1993G>A (p.Ala665Thr)

Gene: RHBDF2 (rhomboid 5 homolog 2; minus strand). Cytogenetic location: 17q25.1.
Variant type: single nucleotide variant.
Coding change: c.1993G>A on transcript NM_001005498.4 (MANE Select); coding-DNA position 1993, G replaced by A.
Protein change: p.Ala665Thr; replaces alanine 665 with threonine.
Molecular consequence: missense variant. On other transcripts: non-coding transcript variant (3).
Genome position (GRCh38, 1-based): chr17:76,472,757, C>T on the plus strand (G>A on the coding strand, the complement: RHBDF2 is on the minus strand). VCF-style: chr17-76472757-C-T. GRCh37 (hg19) VCF-style: chr17-74468839-C-T.
Other names: c.1993G>A, p.Ala665Thr (NM_001376228.1, NM_001376229.1, NM_001376230.1); c.2080G>A, p.Ala694Thr (NM_024599.5); short protein forms A665T, A694T.
Identifiers: ClinVar variation 997645 (VCV000997645.2), dbSNP rs745487928, ClinGen allele CA8786784.